The following is an entry in ClinVar:

ClinVar aggregate classification (germline): Uncertain significance (1 of 4 stars; one submission).

gnomAD v4.1: 21 of 1,613,044 alleles (0.0013%); highest among the groups gnomAD compares: Non-Finnish European, 0.0018%; no homozygotes.

Submission:

Labcorp Genetics (formerly Invitae), Labcorp
Classification: Uncertain significance. Last evaluated: 2024-08-14. Review status: criteria provided, single submitter. Criteria: Invitae Variant Classification Sherloc (09022015). Collection method: clinical testing. Allele origin: germline.
Comment: This sequence change replaces asparagine, which is neutral and polar, with aspartic acid, which is acidic and polar, at codon 772 of the SULF1 protein (p.Asn772Asp). This variant is present in population databases (no rsID available, gnomAD 0.0009%). This variant has not been reported in the literature in individuals affected with SULF1-related conditions. An algorithm developed to predict the effect of missense changes on protein structure and function (PolyPhen-2) suggests that this variant is likely to be disruptive. In summary, the available evidence is currently insufficient to determine the role of this variant in disease. Therefore, it has been classified as a Variant of Uncertain Significance.

NM_001128205.2(SULF1):c.2314A>G (p.Asn772Asp)

Gene: SULF1 (sulfatase 1; plus strand). Cytogenetic location: 8q13.3.
Variant type: single nucleotide variant.
Coding change: c.2314A>G on transcript NM_001128205.2 (MANE Select); coding-DNA position 2314, A replaced by G.
Protein change: p.Asn772Asp; replaces asparagine 772 with aspartic acid.
Molecular consequence: missense variant. On other transcripts: intron variant (2), non-coding transcript variant (2).
Genome position (GRCh38, 1-based): chr8:69,638,531, A>G. VCF-style: chr8-69638531-A-G. GRCh37 (hg19) VCF-style: chr8-70550766-A-G.
Other names: c.2285-204A>G (NM_001412851.1, NM_001412850.1); c.2314A>G, p.Asn772Asp (NM_001128204.2, NM_001128206.2, NM_001412828.1 and 7 more transcripts); c.2185A>G, p.Asn729Asp (NM_001412832.1, NM_001412838.1, NM_001412839.1 and 1 more transcripts); c.2257A>G, p.Asn753Asp (NM_001412836.1, NM_001412837.1); c.2128A>G, p.Asn710Asp (NM_001412841.1, NM_001412842.1); c.1714A>G, p.Asn572Asp (NM_001412844.1, NM_001412845.1); c.523A>G, p.Asn175Asp (NM_001412846.1); short protein forms N175D, N572D, N710D, N729D, N753D, N772D.
Identifiers: ClinVar variation 3619169 (VCV003619169.2).
Genomic context (GRCh38, chr8:69,638,531, plus strand): 5'-TTTTGTTGTGTTTTTCTTTTTTACCCAACAGTGGGATCTTTCTGTGCTTGCACGAGTTCT[A>G]ACAATAACACCTACTGGTGTTTGCGTACAGTTAATGAGACGCATAATTTTCTTTTCTGTG-3'
Protein context (NP_001121677.1, residues 762-782): LGSFCACTSS[Asn772Asp]NNTYWCLRTV